The following is an entry in ClinVar:

NM_001291303.3(FAT4):c.14328T>G (p.Ile4776Met)

Gene: FAT4 (FAT atypical cadherin 4; plus strand). Cytogenetic location: 4q28.1.
Variant type: single nucleotide variant.
Coding change: c.14328T>G on transcript NM_001291303.3 (MANE Select); coding-DNA position 14328, T replaced by G.
Protein change: p.Ile4776Met; replaces isoleucine 4776 with methionine.
Molecular consequence: missense variant.
Genome position (GRCh38, 1-based): chr4:125,491,144, T>G. VCF-style: chr4-125491144-T-G. GRCh37 (hg19) VCF-style: chr4-126412299-T-G.
Other names: c.14325T>G, p.Ile4775Met (NM_001291285.3); c.14322T>G, p.Ile4774Met (NM_024582.6); short protein forms I4774M, I4775M, I4776M.
Identifiers: ClinVar variation 2101666 (VCV002101666.2), dbSNP rs1727622376, ClinGen allele CA358141754.

ClinVar aggregate classification (germline): Uncertain significance (1 of 4 stars; one submission).

Submission:

Labcorp Genetics (formerly Invitae), Labcorp
Classification: Uncertain significance. Last evaluated: 2022-02-22. Review status: criteria provided, single submitter. Criteria: Invitae Variant Classification Sherloc (09022015). Collection method: clinical testing. Allele origin: germline.
Comment: This variant is not present in population databases (gnomAD no frequency). This sequence change replaces isoleucine, which is neutral and non-polar, with methionine, which is neutral and non-polar, at codon 4774 of the FAT4 protein (p.Ile4774Met). This variant has not been reported in the literature in individuals affected with FAT4-related conditions. In summary, the available evidence is currently insufficient to determine the role of this variant in disease. Therefore, it has been classified as a Variant of Uncertain Significance. Advanced modeling of protein sequence and biophysical properties (such as structural, functional, and spatial information, amino acid conservation, physicochemical variation, residue mobility, and thermodynamic stability) performed at Invitae indicates that this missense variant is not expected to disrupt FAT4 protein function.